The following is an entry in ClinVar:

ClinVar aggregate classification (germline): Pathogenic/Likely pathogenic. Review status: criteria provided, multiple submitters, no conflicts (2 of 4 stars). 2 submissions from 2 submitters: Pathogenic (1); Likely pathogenic (1). Last evaluated 2022-10-24.

Conditions:
Cone-rod dystrophy and hearing loss 1 (CRDHL1). Identifiers: MedGen C5193018, MONDO:0020778, OMIM 617236.

Allele frequency attached by ClinVar (database versions not stated): gnomAD exomes below 0.00001; TOPMed 0.00001.

Submissions (2):

Labcorp Genetics (formerly Invitae), Labcorp
Classification: Pathogenic. Last evaluated: 2022-10-24. Review status: criteria provided, single submitter. Criteria: Invitae Variant Classification Sherloc (09022015). Collection method: clinical testing. Allele origin: germline.
Comment: This sequence change creates a premature translational stop signal (p.Glu20Aspfs*40) in the CEP78 gene. It is expected to result in an absent or disrupted protein product. Loss-of-function variants in CEP78 are known to be pathogenic (PMID: 27588451, 27588452, 27627988). This variant is present in population databases (no rsID available, gnomAD 0.006%). This variant has not been reported in the literature in individuals affected with CEP78-related conditions. ClinVar contains an entry for this variant (Variation ID: 1074986). For these reasons, this variant has been classified as Pathogenic.

Juno Genomics, Hangzhou Juno Genomics, Inc
Classification: Likely pathogenic for Cone-rod dystrophy and hearing loss 1. Review status: criteria provided, single submitter. Criteria: ACMG Guidelines, 2015. Collection method: clinical testing. Allele origin: germline.
Comment: Null variant in a gene where loss of function (LOF) is a known mechanism of disease.;Absent from controls (or at extremely low frequency if recessive) in Genome Aggregation Database.

Literature cited by the submitters: PubMed 27588451 (cited by Labcorp Genetics (formerly Invitae), Labcorp); PubMed 27588452 (cited by Labcorp Genetics (formerly Invitae), Labcorp); PubMed 27627988 (cited by Labcorp Genetics (formerly Invitae), Labcorp).

NM_001330691.3(CEP78):c.60del (p.Glu20fs)

Gene: CEP78 (centrosomal protein 78; plus strand). Cytogenetic location: 9q21.2.
Variant type: Deletion.
Coding change: c.60del on transcript NM_001330691.3 (MANE Select); coding-DNA position 60, one base deleted (G; older notation c.60delG).
Protein change: p.Glu20fs; shifts the reading frame from glutamic acid 20.
Molecular consequence: frameshift variant.
Genome position (GRCh38, 1-based): chr9:78,236,410, G deleted. VCF-style (leftmost placement, unchanged base first): chr9-78236409-AG-A. GRCh37 (hg19) VCF-style: chr9-80851325-AG-A.
Other names: c.60del, p.Glu20fs (NM_001349839.2, NM_001349840.2, NM_032171.3 and 4 more transcripts); short protein forms E20fs.
Identifiers: ClinVar variation 1074986 (VCV001074986.10), dbSNP rs1192398258, ClinGen allele CA589124294.